The following is an entry in ClinVar:

NM_206933.4(USH2A):c.10675C>T (p.Pro3559Ser)

Gene: USH2A (usherin; minus strand). Cytogenetic location: 1q41.
Variant type: single nucleotide variant.
Coding change: c.10675C>T on transcript NM_206933.4 (MANE Select); coding-DNA position 10675, C replaced by T.
Protein change: p.Pro3559Ser; replaces proline 3559 with serine.
Molecular consequence: missense variant.
Genome position (GRCh38, 1-based): chr1:215,782,107, G>A on the plus strand (C>T on the coding strand, the complement: USH2A is on the minus strand). VCF-style: chr1-215782107-G-A. GRCh37 (hg19) VCF-style: chr1-215955449-G-A.
Other names: short protein forms P3559S.
Identifiers: ClinVar variation 1413083 (VCV001413083.4), dbSNP rs748298845, ClinGen allele CA1393961.

ClinVar aggregate classification (germline): Uncertain significance (1 of 4 stars; one submission).

Allele frequency attached by ClinVar (database versions not stated): gnomAD exomes below 0.00001 and 0.00004; ExAC 0.00001; TOPMed 0.00001; gnomAD 0.00003.
gnomAD v4.1: 59 of 1,613,848 alleles (0.0037%); highest among the groups gnomAD compares: Non-Finnish European, 0.0047%; no homozygotes.

Submission:

Labcorp Genetics (formerly Invitae), Labcorp
Classification: Uncertain significance. Last evaluated: 2024-10-29. Review status: criteria provided, single submitter. Criteria: Invitae Variant Classification Sherloc (09022015). Collection method: clinical testing. Allele origin: germline.
Comment: This sequence change replaces proline, which is neutral and non-polar, with serine, which is neutral and polar, at codon 3559 of the USH2A protein (p.Pro3559Ser). This variant is present in population databases (rs748298845, gnomAD 0.004%). This variant has not been reported in the literature in individuals affected with USH2A-related conditions. ClinVar contains an entry for this variant (Variation ID: 1413083). Invitae Evidence Modeling of protein sequence and biophysical properties (such as structural, functional, and spatial information, amino acid conservation, physicochemical variation, residue mobility, and thermodynamic stability) indicates that this missense variant is not expected to disrupt USH2A protein function with a negative predictive value of 95%. In summary, the available evidence is currently insufficient to determine the role of this variant in disease. Therefore, it has been classified as a Variant of Uncertain Significance.